The following is an entry in ClinVar:

ClinVar aggregate classification (germline): Uncertain significance (1 of 4 stars; one submission).

Allele frequency attached by ClinVar (database versions not stated): gnomAD exomes 0.00002; ExAC 0.00003.
gnomAD v4.1: 28 of 1,612,944 alleles (0.0017%); highest among the groups gnomAD compares: African/African-American, 0.024%; no homozygotes.

Submission:

Labcorp Genetics (formerly Invitae), Labcorp
Classification: Uncertain significance. Last evaluated: 2025-08-04. Review status: criteria provided, single submitter. Criteria: Invitae Variant Classification Sherloc (09022015). Collection method: clinical testing. Allele origin: germline.
Comment: This sequence change replaces serine, which is neutral and polar, with glycine, which is neutral and non-polar, at codon 933 of the RIMS1 protein (p.Ser933Gly). This variant is present in population databases (rs761516244, gnomAD 0.03%). This variant has not been reported in the literature in individuals affected with RIMS1-related conditions. ClinVar contains an entry for this variant (Variation ID: 1349387). An algorithm developed to predict the effect of missense changes on protein structure and function outputs the following: PolyPhen-2: "Benign". The glycine amino acid residue is found in multiple mammalian species, which suggests that this missense change does not adversely affect protein function. In summary, the available evidence is currently insufficient to determine the role of this variant in disease. Therefore, it has been classified as a Variant of Uncertain Significance.

NM_014989.7(RIMS1):c.2797A>G (p.Ser933Gly)

Gene: RIMS1 (regulating synaptic membrane exocytosis 1; plus strand). Cytogenetic location: 6q13.
Variant type: single nucleotide variant.
Coding change: c.2797A>G on transcript NM_014989.7 (MANE Select); coding-DNA position 2797, A replaced by G.
Protein change: p.Ser933Gly; replaces serine 933 with glycine.
Molecular consequence: missense variant.
Genome position (GRCh38, 1-based): chr6:72,258,151, A>G. VCF-style: chr6-72258151-A-G. GRCh37 (hg19) VCF-style: chr6-72967854-A-G.
Other names: c.1216A>G, p.Ser406Gly (NM_001168407.2, NM_001350415.2, NM_001350418.2 and 19 more transcripts); c.1219A>G, p.Ser407Gly (NM_001168408.2, NM_001350414.2, NM_001350416.2 and 15 more transcripts); c.976A>G, p.Ser326Gly (NM_001168409.2, NM_001350464.2, NM_001350465.2 and 3 more transcripts); c.1174A>G, p.Ser392Gly (NM_001168410.2, NM_001350470.2, NM_001350473.2 and 1 more transcripts); c.1147A>G, p.Ser383Gly (NM_001350421.2, NM_001350430.2, NM_001350437.2 and 2 more transcripts); c.1150A>G, p.Ser384Gly (NM_001350424.2, NM_001350428.2, NM_001350459.2 and 1 more transcripts); c.973A>G, p.Ser325Gly (NM_001350461.2, NM_001350463.2, NM_001350468.2); c.1171A>G, p.Ser391Gly (NM_001350472.2); short protein forms S325G, S326G, S933G, S383G, S406G, S407G, S391G, S384G.
Identifiers: ClinVar variation 1349387 (VCV001349387.6), dbSNP rs761516244, ClinGen allele CA3886036.